The following is an entry in ClinVar:

NM_006218.4(PIK3CA):c.1664G>A (p.Arg555Lys)

Gene: PIK3CA (phosphatidylinositol-4,5-bisphosphate 3-kinase catalytic subunit alpha; plus strand). Cytogenetic location: 3q26.32.
Variant type: single nucleotide variant.
Coding change: c.1664G>A on transcript NM_006218.4 (MANE Select); coding-DNA position 1664, G replaced by A.
Protein change: p.Arg555Lys; replaces arginine 555 with lysine.
Molecular consequence: missense variant.
Genome position (GRCh38, 1-based): chr3:179,218,334, G>A. VCF-style: chr3-179218334-G-A. GRCh37 (hg19) VCF-style: chr3-178936122-G-A.
Other names: short protein forms R555K.
Identifiers: ClinVar variation 132955 (VCV000132955.2), dbSNP rs104886000, ClinGen allele CA269865.

ClinVar aggregate classification (germline): not provided (0 of 4 stars; one submission).

Conditions:
Familial cancer of breast. Also called: BREAST CANCER, FAMILIAL; hereditary breast carcinoma; Hereditary breast cancer. Identifiers: Orphanet 227535, MedGen C0346153, MONDO:0016419, OMIM 114480. Disease mechanism: loss of function.

Submission:

Laboratory of Translational Genomics,  National Cancer Institute
No classification provided. Condition: Familial cancer of breast. Review status: no classification provided. Collection method: not provided. Allele origin: somatic.
Comment: Breast Cancer specimen